The following is an entry in ClinVar:

NM_000116.5(TAFAZZIN):c.1A>G (p.Met1Val)

Genes: DNASE1L1 (deoxyribonuclease 1 like 1; minus strand), TAFAZZIN (tafazzin, phospholipid-lysophospholipid transacylase; plus strand), LOC130068869 (ATAC-STARR-seq lymphoblastoid silent region 21101; plus strand). Cytogenetic location: Xq28.
Variant type: single nucleotide variant.
Coding change: c.1A>G on transcript NM_000116.5 (MANE Select); coding-DNA position 1, A replaced by G.
Protein change: p.Met1Val; changes the start codon (methionine 1).
Molecular consequence: missense variant, initiator codon variant. On other transcripts: non-coding transcript variant (1), intron variant (3).
Genome position (GRCh38, 1-based): chrX:154,411,844, A>G. VCF-style: chrX-154411844-A-G. GRCh37 (hg19) VCF-style: chrX-153640181-A-G.
Other names: c.1A>G, p.Met1Val (NM_001303465.2, NM_001410698.1, NM_001440856.1 and 5 more transcripts); c.-88+47T>C (NM_001009934.3); c.-173+47T>C (NM_001009933.3); c.-431+47T>C (NM_001009932.3); short protein forms M1V.
Identifiers: ClinVar variation 2065777 (VCV002065777.5), dbSNP rs12845698, ClinGen allele CA415177839.

ClinVar aggregate classification (germline): Uncertain significance (1 of 4 stars; one submission).

Conditions:
3-Methylglutaconic aciduria type 2 (BTHS). Also called: CARDIOSKELETAL MYOPATHY WITH NEUTROPENIA AND ABNORMAL MITOCHONDRIA; Barth syndrome. Identifiers: Orphanet 111, MedGen C0574083, MONDO:0010543, OMIM 302060.

Submission:

Labcorp Genetics (formerly Invitae), Labcorp
Classification: Uncertain significance for 3-Methylglutaconic aciduria type 2. Last evaluated: 2022-08-15. Review status: criteria provided, single submitter. Criteria: Invitae Variant Classification Sherloc (09022015). Collection method: clinical testing. Allele origin: germline.
Comment: In summary, the available evidence is currently insufficient to determine the role of this variant in disease. Therefore, it has been classified as a Variant of Uncertain Significance. Experimental studies and prediction algorithms are not available or were not evaluated, and the functional significance of this variant is currently unknown. This variant has not been reported in the literature in individuals affected with TAZ-related conditions. This variant is not present in population databases (gnomAD no frequency). This sequence change affects the initiator methionine of the TAZ mRNA. The next in-frame methionine is located at codon 25.